The following is an entry in ClinVar:

ClinVar aggregate classification (germline): Likely pathogenic. Review status: criteria provided, multiple submitters, no conflicts (2 of 4 stars). 3 submissions from 3 submitters: Likely pathogenic (3). Last evaluated 2024-01-31.

Conditions:
COL4A5-related disorder. Also called: COL4A5-related condition.
X-linked Alport syndrome (ATS1). Also called: COL4A5-Related Nephropathy; NEPHROPATHY AND DEAFNESS, X-LINKED. Identifiers: Orphanet 63, Orphanet 88917, MedGen C4746986, MONDO:0010520, OMIM 301050.

Submissions (3):

Fulgent Genetics
Classification: Likely pathogenic for X-linked Alport syndrome. Last evaluated: 2024-01-31. Review status: criteria provided, single submitter. Criteria: ACMG Guidelines, 2015. Collection method: clinical testing. Allele origin: germline.

PreventionGenetics, part of Exact Sciences
Classification: Likely pathogenic for COL4A5-related condition. Last evaluated: 2023-02-02. Review status: criteria provided, single submitter. Criteria: ACMG Guidelines, 2015. Collection method: clinical testing. Allele origin: germline.
Comment: The COL4A5 c.321+1G>A variant is predicted to disrupt the GT donor site and interfere with normal splicing. To our knowledge, this variant has not been reported in the literature or in a large population database, indicating this variant is rare. Variants that disrupt the consensus splice donor site in COL4A5 are expected to be pathogenic. This variant is interpreted as likely pathogenic.

Labcorp Genetics (formerly Invitae), Labcorp
Classification: Likely pathogenic. Last evaluated: 2021-02-07. Review status: criteria provided, single submitter. Criteria: Invitae Variant Classification Sherloc (09022015). Collection method: clinical testing. Allele origin: germline.
Comment: In summary, the currently available evidence indicates that the variant is pathogenic, but additional data are needed to prove that conclusively. Therefore, this variant has been classified as Likely Pathogenic. Algorithms developed to predict the effect of sequence changes on RNA splicing suggest that this variant may disrupt the consensus splice site, but this prediction has not been confirmed by published transcriptional studies. This variant has not been reported in the literature in individuals with COL4A5-related conditions. This variant is not present in population databases (ExAC no frequency). This sequence change affects a donor splice site in intron 5 of the COL4A5 gene. It is expected to disrupt RNA splicing. Variants that disrupt the donor or acceptor splice site typically lead to a loss of protein function (PMID: 16199547), and loss-of-function variants in COL4A5 are known to be pathogenic (PMID: 9195222, 10752524, 14514738, 24854265, 26809805).

Literature cited by the submitters: PubMed 16199547 (cited by Labcorp Genetics (formerly Invitae), Labcorp); PubMed 9195222 (cited by Labcorp Genetics (formerly Invitae), Labcorp); PubMed 10752524 (cited by Labcorp Genetics (formerly Invitae), Labcorp); PubMed 14514738 (cited by Labcorp Genetics (formerly Invitae), Labcorp); PubMed 24854265 (cited by Labcorp Genetics (formerly Invitae), Labcorp); PubMed 26809805 (cited by Labcorp Genetics (formerly Invitae), Labcorp).

NM_033380.3(COL4A5):c.321+1G>A

Gene: COL4A5 (collagen type IV alpha 5 chain; plus strand). Cytogenetic location: Xq22.3.
Variant type: single nucleotide variant.
Coding change: c.321+1G>A on transcript NM_033380.3 (MANE Select); the canonical splice donor site of the intron after coding-DNA position 321, G replaced by A.
Molecular consequence: splice donor variant.
Genome position (GRCh38, 1-based): chrX:108,568,674, G>A. VCF-style: chrX-108568674-G-A. GRCh37 (hg19) VCF-style: chrX-107811904-G-A.
Other names: c.321+1G>A (NM_000495.5, NM_000495.4).
Identifiers: ClinVar variation 1482121 (VCV001482121.10), dbSNP rs2147746303, ClinGen allele CA413918010.